The following is an entry in ClinVar:

NM_002439.5(MSH3):c.595del (p.Asp199fs)

Gene: MSH3 (mutS homolog 3; plus strand). Cytogenetic location: 5q14.1.
Variant type: Deletion.
Coding change: c.595del on transcript NM_002439.5 (MANE Select); coding-DNA position 595, one base deleted (G; older notation c.595delG).
Protein change: p.Asp199fs; shifts the reading frame from aspartic acid 199.
Molecular consequence: frameshift variant.
Genome position (GRCh38, 1-based): chr5:80,670,112, G deleted. VCF-style (leftmost placement, unchanged base first): chr5-80670111-TG-T. GRCh37 (hg19) VCF-style: chr5-79965930-TG-T.
Other names: short protein forms D199fs.
Identifiers: ClinVar variation 968456 (VCV000968456.8), dbSNP rs1749670424, ClinGen allele CA1139658924.

ClinVar aggregate classification (germline): Pathogenic. Review status: criteria provided, multiple submitters, no conflicts (2 of 4 stars). 2 submissions from 2 submitters: Pathogenic (2). Last evaluated 2026-06-01.

Conditions:
Familial adenomatous polyposis 4 (FAP4). Also called: MSH3-related attenuated familial adenomatous polyposis. Identifiers: Orphanet 480536, MedGen C4310719, MONDO:0044300, OMIM 617100.

Submissions (2):

Myriad Genetics, Inc.
Classification: Pathogenic for Familial adenomatous polyposis 4. Last evaluated: 2026-06-01. Review status: criteria provided, single submitter. Criteria: Myriad Autosomal Dominant, Autosomal Recessive and X-Linked Classification Criteria (2023). Collection method: clinical testing. Allele origin: unknown.
Comment: This variant is considered pathogenic. This variant creates a frameshift predicted to result in premature protein truncation.

Labcorp Genetics (formerly Invitae), Labcorp
Classification: Pathogenic. Last evaluated: 2019-10-11. Review status: criteria provided, single submitter. Criteria: Invitae Variant Classification Sherloc (09022015). Collection method: clinical testing. Allele origin: germline.
Comment: This sequence change creates a premature translational stop signal (p.Asp199Ilefs*34) in the MSH3 gene. It is expected to result in an absent or disrupted protein product. This variant is not present in population databases (ExAC no frequency). This variant has not been reported in the literature in individuals with MSH3-related conditions. Loss-of-function variants in MSH3 are known to be pathogenic (PMID: 27476653). For these reasons, this variant has been classified as Pathogenic.

Literature cited by the submitters: PubMed 27476653 (cited by Labcorp Genetics (formerly Invitae), Labcorp).